The following is an entry in ClinVar:

NM_002291.3(LAMB1):c.1204C>T (p.Pro402Ser)

Gene: LAMB1 (laminin subunit beta 1; minus strand). Cytogenetic location: 7q31.1.
Variant type: single nucleotide variant.
Coding change: c.1204C>T on transcript NM_002291.3 (MANE Select); coding-DNA position 1204, C replaced by T.
Protein change: p.Pro402Ser; replaces proline 402 with serine.
Molecular consequence: missense variant.
Genome position (GRCh38, 1-based): chr7:107,975,399, G>A on the plus strand (C>T on the coding strand, the complement: LAMB1 is on the minus strand). VCF-style: chr7-107975399-G-A. GRCh37 (hg19) VCF-style: chr7-107615844-G-A.
Other names: short protein forms P402S.
Identifiers: ClinVar variation 3686829 (VCV003686829.2).
Genomic context (GRCh38, chr7:107,975,399, plus strand): 5'-TGAGACCAGTAGAAAAATCAGTATAGCTGTCACAAATTCCCTCATTTTGAGAGCCAGCTG[G>A]GTCACACGTACATCCTGAGAAGAATGCAAAGCACCAGGTTAAAATCAGGAGGAAACTCAA-3'
Protein context (NP_002282.2, residues 392-412): PNFCERCTCD[Pro402Ser]AGSQNEGICD

ClinVar aggregate classification (germline): Uncertain significance (1 of 4 stars; one submission).

gnomAD v4.1: 11 of 1,612,286 alleles (0.00068%); highest among the groups gnomAD compares: East Asian, 0.018%; no homozygotes.

Submission:

Labcorp Genetics (formerly Invitae), Labcorp
Classification: Uncertain significance. Last evaluated: 2024-05-28. Review status: criteria provided, single submitter. Criteria: Invitae Variant Classification Sherloc (09022015). Collection method: clinical testing. Allele origin: germline.
Comment: This sequence change replaces proline, which is neutral and non-polar, with serine, which is neutral and polar, at codon 402 of the LAMB1 protein (p.Pro402Ser). This variant is present in population databases (rs779694423, gnomAD 0.03%). This variant has not been reported in the literature in individuals affected with LAMB1-related conditions. An algorithm developed to predict the effect of missense changes on protein structure and function (PolyPhen-2) suggests that this variant is likely to be disruptive. In summary, the available evidence is currently insufficient to determine the role of this variant in disease. Therefore, it has been classified as a Variant of Uncertain Significance.